The following is an entry in ClinVar:

ClinVar aggregate classification (germline): Conflicting classifications of pathogenicity. Review status: criteria provided, conflicting classifications (1 of 4 stars). 3 submissions from 3 submitters: Uncertain significance (1); Likely benign (2). Last evaluated 2023-10-01.

Conditions:
Charcot-Marie-Tooth disease type 4F. Also called: Charcot-Marie-Tooth disease, demyelinating, type 4F. Identifiers: Orphanet 99952, MedGen C3540453, MONDO:0013959, OMIM 614895.
Charcot-Marie-Tooth disease type 4. Also called: Charcot-Marie-Tooth disease, type IV; Charcot-Marie-Tooth, Type 4. Identifiers: Orphanet 64749, MedGen C4082197, MONDO:0018995.

Allele frequency attached by ClinVar (database versions not stated): gnomAD 0.00001; TOPMed 0.00002; ExAC 0.00031.
gnomAD v4.1: 94 of 1,543,750 alleles (0.0061%); highest among the groups gnomAD compares: East Asian, 0.13%; no homozygotes.

Submissions (3):

CeGaT Center for Human Genetics Tuebingen
Classification: Likely benign. Last evaluated: 2023-10-01. Review status: criteria provided, single submitter. Criteria: CeGaT Center For Human Genetics Tuebingen Variant Classification Criteria Version 2. Collection method: clinical testing. Allele origin: germline. Affected: yes. Observed: 1 variant allele.
Comment: PRX: BP4, BP7

Labcorp Genetics (formerly Invitae), Labcorp
Classification: Likely benign for Charcot-Marie-Tooth disease type 4. Last evaluated: 2022-07-13. Review status: criteria provided, single submitter. Criteria: Invitae Variant Classification Sherloc (09022015). Collection method: clinical testing. Allele origin: germline.

Illumina Laboratory Services, Illumina
Classification: Uncertain significance for Charcot-Marie-Tooth disease type 4F. Last evaluated: 2018-01-12. Review status: criteria provided, single submitter. Criteria: ICSL Variant Classification Criteria 13 December 2019. Collection method: clinical testing. Allele origin: germline.

NM_181882.3(PRX):c.825C>T (p.Leu275=)

Gene: PRX (periaxin; minus strand). Cytogenetic location: 19q13.2.
Variant type: single nucleotide variant.
Coding change: c.825C>T on transcript NM_181882.3 (MANE Select); coding-DNA position 825, C replaced by T.
Protein change: p.Leu275=; no amino-acid change (leucine 275 retained).
Molecular consequence: synonymous variant. On other transcripts: 3 prime UTR variant (1).
Genome position (GRCh38, 1-based): chr19:40,397,527, G>A on the plus strand (C>T on the coding strand, the complement: PRX is on the minus strand). VCF-style: chr19-40397527-G-A. GRCh37 (hg19) VCF-style: chr19-40903434-G-A.
Other names: c.*1030C>T (NM_020956.2).
Identifiers: ClinVar variation 893519 (VCV000893519.36), dbSNP rs753268672, ClinGen allele CA9444377.